The following is an entry in ClinVar:

NM_153717.3(EVC):c.581G>C (p.Arg194Pro)

Gene: EVC (EvC ciliary complex subunit 1; plus strand). Cytogenetic location: 4p16.2.
Variant type: single nucleotide variant.
Coding change: c.581G>C on transcript NM_153717.3 (MANE Select); coding-DNA position 581, G replaced by C.
Protein change: p.Arg194Pro; replaces arginine 194 with proline.
Molecular consequence: missense variant.
Genome position (GRCh38, 1-based): chr4:5,731,621, G>C. VCF-style: chr4-5731621-G-C. GRCh37 (hg19) VCF-style: chr4-5733348-G-C.
Other names: c.581G>C, p.Arg194Pro (NM_001306090.2, NM_001306092.2); short protein forms R194P.
Identifiers: ClinVar variation 1441581 (VCV001441581.6), dbSNP rs777256784, ClinGen allele CA2835738.

ClinVar aggregate classification (germline): Uncertain significance (1 of 4 stars; one submission).

Conditions:
Curry-Hall syndrome (WAD). Also called: WEYERS ACRODENTAL DYSOSTOSIS. Identifiers: Orphanet 952, MedGen C0457013, MONDO:0008673, OMIM 193530.
Ellis-van Creveld syndrome (EVC). Also called: MESOECTODERMAL DYSPLASIA; EVC-Related Ellis-van Creveld Syndrome; EVC2-Related Ellis-van Creveld Syndrome; Chondroectodermal dysplasia. Identifiers: Orphanet 289, MedGen C0013903, MONDO:0009162, OMIM 225500.

Allele frequency attached by ClinVar (database versions not stated): ExAC 0.00001.
gnomAD v4.1: 1 of 1,614,138 alleles (0.000062%); highest among the groups gnomAD compares: Admixed American, 0.0017%; no homozygotes.

Submission:

Labcorp Genetics (formerly Invitae), Labcorp
Classification: Uncertain significance for Curry-Hall syndrome; Ellis-van Creveld syndrome. Last evaluated: 2024-02-24. Review status: criteria provided, single submitter. Criteria: Invitae Variant Classification Sherloc (09022015). Collection method: clinical testing. Allele origin: germline.
Comment: This sequence change replaces arginine, which is basic and polar, with proline, which is neutral and non-polar, at codon 194 of the EVC protein (p.Arg194Pro). This variant is present in population databases (rs777256784, gnomAD 0.003%). This variant has not been reported in the literature in individuals affected with EVC-related conditions. ClinVar contains an entry for this variant (Variation ID: 1441581). Advanced modeling of protein sequence and biophysical properties (such as structural, functional, and spatial information, amino acid conservation, physicochemical variation, residue mobility, and thermodynamic stability) has been performed at Invitae for this missense variant, however the output from this modeling did not meet the statistical confidence thresholds required to predict the impact of this variant on EVC protein function. In summary, the available evidence is currently insufficient to determine the role of this variant in disease. Therefore, it has been classified as a Variant of Uncertain Significance.